The following is an entry in ClinVar:

NM_001008537.3(NEXMIF):c.3145T>C (p.Ser1049Pro)

Gene: NEXMIF (neurite extension and migration factor; minus strand). Cytogenetic location: Xq13.3.
Variant type: single nucleotide variant.
Coding change: c.3145T>C on transcript NM_001008537.3 (MANE Select); coding-DNA position 3145, T replaced by C.
Protein change: p.Ser1049Pro; replaces serine 1049 with proline.
Molecular consequence: missense variant.
Genome position (GRCh38, 1-based): chrX:74,741,412, A>G on the plus strand (T>C on the coding strand, the complement: NEXMIF is on the minus strand). VCF-style: chrX-74741412-A-G. GRCh37 (hg19) VCF-style: chrX-73961247-A-G.
Other names: short protein forms S1049P.
Identifiers: ClinVar variation 4681125 (VCV004681125.1).

ClinVar aggregate classification (germline): Uncertain significance (1 of 4 stars; one submission).

Submission:

GeneDx
Classification: Uncertain significance. Last evaluated: 2025-07-01. Review status: criteria provided, single submitter. Criteria: GeneDx Variant Classification Process June 2021. Collection method: clinical testing. Allele origin: germline. Affected: yes.
Comment: Not observed at significant frequency in large population cohorts (gnomAD); In silico analysis suggests that this missense variant does not alter protein structure/function; Has not been previously published as pathogenic or benign to our knowledge